The following is an entry in ClinVar:

ClinVar aggregate classification (germline): Uncertain significance. Review status: criteria provided, multiple submitters, no conflicts (2 of 4 stars). 2 submissions from 2 submitters: Uncertain significance (2). Last evaluated 2025-09-10.

Conditions:
Inborn genetic diseases. Identifiers: MedGen C0950123, MeSH D030342.

Allele frequency attached by ClinVar (database versions not stated): ExAC 0.00001; gnomAD exomes 0.00001; gnomAD 0.00003; TOPMed 0.00004; ESP Exome Variant Server 0.00008.
gnomAD v4.1: 7 of 1,613,686 alleles (0.00043%); highest among the groups gnomAD compares: African/African-American, 0.008%; no homozygotes.

Submissions (2):

Ambry Genetics
Classification: Uncertain significance for Inborn genetic diseases. Last evaluated: 2025-09-10. Review status: criteria provided, single submitter. Criteria: Ambry Variant Classification Scheme 2023. Collection method: clinical testing. Allele origin: germline.

Labcorp Genetics (formerly Invitae), Labcorp
Classification: Uncertain significance. Last evaluated: 2024-10-06. Review status: criteria provided, single submitter. Criteria: Invitae Variant Classification Sherloc (09022015). Collection method: clinical testing. Allele origin: germline.
Comment: This sequence change replaces threonine, which is neutral and polar, with proline, which is neutral and non-polar, at codon 3575 of the PCLO protein (p.Thr3575Pro). This variant is present in population databases (rs61995905, gnomAD 0.01%). This variant has not been reported in the literature in individuals affected with PCLO-related conditions. ClinVar contains an entry for this variant (Variation ID: 1448648). Experimental studies and prediction algorithms are not available or were not evaluated, and the functional significance of this variant is currently unknown. In summary, the available evidence is currently insufficient to determine the role of this variant in disease. Therefore, it has been classified as a Variant of Uncertain Significance.

NM_033026.6(PCLO):c.10723A>C (p.Thr3575Pro)

Gene: PCLO (piccolo presynaptic cytomatrix protein; minus strand). Cytogenetic location: 7q21.11.
Variant type: single nucleotide variant.
Coding change: c.10723A>C on transcript NM_033026.6 (MANE Select); coding-DNA position 10723, A replaced by C.
Protein change: p.Thr3575Pro; replaces threonine 3575 with proline.
Molecular consequence: missense variant.
Genome position (GRCh38, 1-based): chr7:82,949,865, T>G on the plus strand (A>C on the coding strand, the complement: PCLO is on the minus strand). VCF-style: chr7-82949865-T-G. GRCh37 (hg19) VCF-style: chr7-82579181-T-G.
Other names: c.10723A>C (NM_033026.5); c.10723A>C, p.Thr3575Pro (NM_014510.3); short protein forms T3575P.
Identifiers: ClinVar variation 1448648 (VCV001448648.8), dbSNP rs61995905, ClinGen allele CA4319693.